The following is an entry in ClinVar:

ClinVar aggregate classification (germline): Likely benign (1 of 4 stars; one submission).

Allele frequency attached by ClinVar (database versions not stated): gnomAD exomes below 0.00001; TOPMed below 0.00001; gnomAD 0.00001.
gnomAD v4.1: 2 of 1,604,998 alleles (0.00012%); highest among the groups gnomAD compares: Non-Finnish European, 0.00017%; no homozygotes.

Submission:

GeneDx
Classification: Likely benign. Last evaluated: 2017-11-01. Review status: criteria provided, single submitter. Criteria: GeneDx Variant Classification (06012015). Collection method: clinical testing. Allele origin: germline. Affected: yes.
Comment: This variant is considered likely benign or benign based on one or more of the following criteria: it is a conservative change, it occurs at a poorly conserved position in the protein, it is predicted to be benign by multiple in silico algorithms, and/or has population frequency not consistent with disease.

NM_001031679.3(MSRB3):c.185+7T>A

Gene: MSRB3 (methionine sulfoxide reductase B3; plus strand). Cytogenetic location: 12q14.3.
Variant type: single nucleotide variant.
Coding change: c.185+7T>A on transcript NM_001031679.3 (MANE Select); 7 bases into the intron after coding-DNA position 185, T replaced by A.
Molecular consequence: intron variant.
Genome position (GRCh38, 1-based): chr12:65,326,941, T>A. VCF-style: chr12-65326941-T-A. GRCh37 (hg19) VCF-style: chr12-65720721-T-A.
Other names: c.185+7T>A (NM_001193460.2, NM_001193461.2); c.206+7T>A (NM_198080.4).
Identifiers: ClinVar variation 512954 (VCV000512954.1), dbSNP rs1459545446, ClinGen allele CA605652862.